The following is an entry in ClinVar:

NM_000214.3(JAG1):c.3124C>A (p.Arg1042Ser)

Gene: JAG1 (jagged canonical Notch ligand 1; minus strand). Cytogenetic location: 20p12.2.
Variant type: single nucleotide variant.
Coding change: c.3124C>A on transcript NM_000214.3 (MANE Select); coding-DNA position 3124, C replaced by A.
Protein change: p.Arg1042Ser; replaces arginine 1042 with serine.
Molecular consequence: missense variant.
Genome position (GRCh38, 1-based): chr20:10,640,858, G>T on the plus strand (C>A on the coding strand, the complement: JAG1 is on the minus strand). VCF-style: chr20-10640858-G-T. GRCh37 (hg19) VCF-style: chr20-10621506-G-T.
Other names: short protein forms R1042S.
Identifiers: ClinVar variation 3366026 (VCV003366026.2).

ClinVar aggregate classification (germline): Uncertain significance (1 of 4 stars; one submission).

Submission:

GeneDx
Classification: Uncertain significance. Last evaluated: 2025-01-25. Review status: criteria provided, single submitter. Criteria: GeneDx Variant Classification Process June 2021. Collection method: clinical testing. Allele origin: germline.
Comment: Not observed at significant frequency in large population cohorts (gnomAD); In silico analysis supports that this missense variant has a deleterious effect on protein structure/function; Has not been previously published as pathogenic or benign to our knowledge